The following is an entry in ClinVar:

ClinVar aggregate classification (germline): Uncertain significance (1 of 4 stars; one submission).

Submission:

Labcorp Genetics (formerly Invitae), Labcorp
Classification: Uncertain significance. Last evaluated: 2024-05-23. Review status: criteria provided, single submitter. Criteria: Invitae Variant Classification Sherloc (09022015). Collection method: clinical testing. Allele origin: germline.
Comment: This sequence change falls in intron 19 of the EPS8 gene. It does not directly change the encoded amino acid sequence of the EPS8 protein. It affects a nucleotide within the consensus splice site. This variant is present in population databases (no rsID available, gnomAD 0.0009%). This variant has been observed in individual(s) with EPS8-related conditions (Invitae). Variants that disrupt the consensus splice site are a relatively common cause of aberrant splicing (PMID: 17576681, 9536098). Algorithms developed to predict the effect of sequence changes on RNA splicing suggest that this variant may disrupt the consensus splice site. In summary, the available evidence is currently insufficient to determine the role of this variant in disease. Therefore, it has been classified as a Variant of Uncertain Significance.

Literature cited by the submitters: PubMed 17576681; PubMed 9536098.

NM_004447.6(EPS8):c.2225+4_2225+5del

Gene: EPS8 (EGFR pathway substrate 8, signaling adaptor; minus strand). Cytogenetic location: 12p12.3.
Variant type: Deletion.
Coding change: c.2225+4_2225+5del on transcript NM_004447.6 (MANE Select); bases 4 to 5 of the intron after coding-DNA position 2225, 2 bases deleted (AG; older notation c.2225+4_2225+5delAG).
Molecular consequence: intron variant.
Genome position (GRCh38, 1-based): chr12:15,624,222-15,624,223, CT deleted on the plus strand (AG on the coding strand, the reverse complement: EPS8 is on the minus strand); deleting any 2 consecutive bases within chr12:15,624,222-15,624,224 gives the same sequence; the c. name uses the placement nearest the transcript's 3' end. VCF-style (leftmost placement, unchanged base first): chr12-15624221-ACT-A. GRCh37 (hg19) VCF-style: chr12-15777155-ACT-A.
Other names: c.1985+4_1985+5del (NM_001413836.1, NM_001413835.1); c.2261+4_2261+5del (NM_001413831.1); c.1808+4_1808+5del (NM_001413837.1); c.2225+4_2225+5del (NM_001413832.1, NM_001413833.1, NM_001413834.1); c.1445+4_1445+5del (NM_001413838.1).
Identifiers: ClinVar variation 3630485 (VCV003630485.2).